The following is an entry in ClinVar:

NM_001367624.2(ZNF469):c.2948ACG[1] (p.Asp984del)

Gene: ZNF469 (zinc finger protein 469; plus strand). Cytogenetic location: 16q24.2.
Variant type: Microsatellite.
Coding change: c.2948ACG[1] on transcript NM_001367624.2 (MANE Select); one copy of the 3-base unit ACG starting at c.2948; the reference has two copies in a row; one copy, 3 bases deleted.
Protein change: p.Asp984del; deletes aspartic acid 984.
Molecular consequence: inframe deletion.
Genome position (GRCh38, 1-based): chr16:88,430,421-88,430,423, ACG deleted; deleting any 3 consecutive bases within chr16:88,430,418-88,430,423 gives the same sequence; the position shown is the placement nearest the transcript's 3' end. VCF-style (leftmost placement, unchanged base first): chr16-88430417-AACG-A. GRCh37 (hg19) VCF-style: chr16-88496825-AACG-A.
Other names: short protein forms D984del.
Identifiers: ClinVar variation 320898 (VCV000320898.9), dbSNP rs886052397, ClinGen allele CA10649159.

ClinVar aggregate classification (germline): Uncertain significance. Review status: criteria provided, multiple submitters, no conflicts (2 of 4 stars). 2 submissions from 2 submitters: Uncertain significance (2). Last evaluated 2025-01-02.

Conditions:
Cardiovascular phenotype. Identifiers: MedGen CN230736.

Submissions (2):

Ambry Genetics
Classification: Uncertain significance for Cardiovascular phenotype. Last evaluated: 2025-01-02. Review status: criteria provided, single submitter. Criteria: Ambry Variant Classification Scheme 2023. Collection method: clinical testing. Allele origin: germline.
Comment: The c.2951_2953delACG variant (also known as p.D984del) is located in coding exon 1 of the ZNF469 gene. This variant results from an in-frame ACG deletion at nucleotide positions 2951 to 2953. This results in the in-frame deletion of an aspartic acid at codon 984. This amino acid position is poorly conserved in available vertebrate species. In addition, this alteration is predicted to be neutral by in silico analysis (Choi Y et al. PLoS ONE. 2012; 7(10):e46688). Since supporting evidence is limited at this time, the clinical significance of this alteration remains unclear.

Labcorp Genetics (formerly Invitae), Labcorp
Classification: Uncertain significance. Last evaluated: 2022-08-06. Review status: criteria provided, single submitter. Criteria: Invitae Variant Classification Sherloc (09022015). Collection method: clinical testing. Allele origin: germline.
Comment: This variant, c.2951_2953del, results in the deletion of 1 amino acid(s) of the ZNF469 protein (p.Asp984del), but otherwise preserves the integrity of the reading frame. This variant is not present in population databases (gnomAD no frequency). This variant has not been reported in the literature in individuals affected with ZNF469-related conditions. Experimental studies and prediction algorithms are not available or were not evaluated, and the functional significance of this variant is currently unknown. In summary, the available evidence is currently insufficient to determine the role of this variant in disease. Therefore, it has been classified as a Variant of Uncertain Significance.